The following is an entry in ClinVar:

ClinVar aggregate classification (germline): Uncertain significance. Review status: criteria provided, multiple submitters, no conflicts (2 of 4 stars). 2 submissions from 2 submitters: Uncertain significance (2). Last evaluated 2025-06-30.

Conditions:
Autosomal dominant centronuclear myopathy. Also called: MYOTUBULAR MYOPATHY, AUTOSOMAL DOMINANT; Myopathy, centronuclear, 3. Identifiers: Orphanet 169189, MedGen C4551952, MeSH D020914, MONDO:0008048, OMIM 160150.

Allele frequency attached by ClinVar (database versions not stated): gnomAD exomes 0.00001; ExAC 0.00003; ESP Exome Variant Server 0.00008; gnomAD 0.00009 and 0.00011; TOPMed 0.00010; 1000 Genomes Project 30x 0.00016; 1000 Genomes Project 0.00020.

Submissions (2):

Ambry Genetics
Classification: Uncertain significance. Last evaluated: 2025-06-30. Review status: criteria provided, single submitter. Criteria: Ambry Variant Classification Scheme 2023. Collection method: clinical testing. Allele origin: germline.

Labcorp Genetics (formerly Invitae), Labcorp
Classification: Uncertain significance for Autosomal dominant centronuclear myopathy. Last evaluated: 2019-06-20. Review status: criteria provided, single submitter. Criteria: Invitae Variant Classification Sherloc (09022015). Collection method: clinical testing. Allele origin: germline.
Comment: In summary, this variant is a rare missense change that is not predicted to affect protein function. There is no indication that it causes disease, but the available evidence is currently insufficient to prove that conclusively. Therefore, it has been classified as a Variant of Uncertain Significance. Algorithms developed to predict the effect of missense changes on protein structure and function (SIFT, PolyPhen-2, Align-GVGD) all suggest that this variant is likely to be tolerated, but these predictions have not been confirmed by published functional studies. This variant is present in population databases (rs146824657, ExAC 0.04%) but has not been reported in the literature in individuals with a MYF6-related disease. This sequence change replaces aspartic acid with alanine at codon 192 of the MYF6 protein (p.Asp192Ala). The aspartic acid residue is highly conserved and there is a moderate physicochemical difference between aspartic acid and alanine.

NM_002469.3(MYF6):c.575A>C (p.Asp192Ala)

Gene: MYF6 (myogenic factor 6; plus strand). Cytogenetic location: 12q21.31.
Variant type: single nucleotide variant.
Coding change: c.575A>C on transcript NM_002469.3 (MANE Select); coding-DNA position 575, A replaced by C.
Protein change: p.Asp192Ala; replaces aspartic acid 192 with alanine.
Molecular consequence: missense variant.
Genome position (GRCh38, 1-based): chr12:80,708,579, A>C. VCF-style: chr12-80708579-A-C. GRCh37 (hg19) VCF-style: chr12-81102358-A-C.
Other names: short protein forms D192A.
Identifiers: ClinVar variation 472758 (VCV000472758.12), dbSNP rs146824657, ClinGen allele CA6703137.